The following is an entry in ClinVar:

ClinVar aggregate classification (germline): Uncertain significance. Review status: reviewed by expert panel (3 of 4 stars). 2 submissions from 2 submitters: Uncertain significance (1). 1 of the submissions does not count toward it. Last evaluated 2025-02-21.

Conditions:
Hereditary antithrombin deficiency (AT3D). Also called: Antithrombin III deficiency; Thrombophilia due to antithrombin III deficiency; Antithrombin deficiency; Reduced antithrombin III activity. Identifiers: Orphanet 82, MedGen C0272375, MONDO:0013144, OMIM 613118, HP:0001976.

Allele frequency attached by ClinVar (database versions not stated): gnomAD exomes 0.00003; TOPMed 0.00003; ExAC 0.00004; gnomAD 0.00004; ESP Exome Variant Server 0.00008; 1000 Genomes Project 30x 0.00016; 1000 Genomes Project 0.00020.
gnomAD v4.1: 58 of 1,614,166 alleles (0.0036%); highest among the groups gnomAD compares: Admixed American, 0.03%; no homozygotes.

Submissions (2):

Clingen Thrombosis Variant Curation Expert Panel, ClinGen
Classification: Uncertain significance for Hereditary antithrombin deficiency. Last evaluated: 2025-02-21. Review status: reviewed by expert panel. Criteria: ClinGen ACMG Specifications SERPINC1 V1.0.0. Collection method: curation. Allele origin: germline. Inheritance: Autosomal dominant inheritance.
Comment: The NM_000488.4:c.87C>T variant predicts a synonymous change at position Cys29. SpliceAI predicts no splicing impact. The variant has a total allele MAF = 0.00003593 in gnomAD v4.1, which does not meet the PM2_Supporting cutoff of 0.00002. BP7 was not applied due to the PhyloP score being 0.54, which is above the 0.1 cutoff. In summary, based on the evidence available at this time, the clinical significance of this variant is uncertain. ACMG/AMP criteria applied, as specified by the Thrombosis Variant Curation Expert Panel for SERPINC1: BP4.

Labcorp Genetics (formerly Invitae), Labcorp
Classification: Likely benign for Hereditary antithrombin deficiency. Last evaluated: 2025-12-16. Review status: criteria provided, single submitter. Criteria: Invitae Variant Classification Sherloc (09022015). Collection method: clinical testing. Allele origin: germline. Not counted in ClinVar's aggregate classification.

NM_000488.4(SERPINC1):c.87C>T (p.Cys29=)

Gene: SERPINC1 (serpin family C member 1; minus strand). Cytogenetic location: 1q25.1.
Variant type: single nucleotide variant.
Coding change: c.87C>T on transcript NM_000488.4 (MANE Select); coding-DNA position 87, C replaced by T.
Protein change: p.Cys29=; no amino-acid change (cysteine 29 retained).
Molecular consequence: synonymous variant. On other transcripts: 5 prime UTR variant (1).
Genome position (GRCh38, 1-based): chr1:173,914,874, G>A on the plus strand (C>T on the coding strand, the complement: SERPINC1 is on the minus strand). VCF-style: chr1-173914874-G-A. GRCh37 (hg19) VCF-style: chr1-173884012-G-A.
Other names: NM_000488.4(SERPINC1):c.87C>T; p.Cys29=; c.-58C>T (NM_001365052.2); c.87C>T, p.Cys29= (NM_001386302.1, NM_001386304.1, NM_001386305.1 and 1 more transcripts); c.168C>T, p.Cys56= (NM_001386303.1).
Identifiers: ClinVar variation 1127805 (VCV001127805.8), dbSNP rs188274879, ClinGen allele CA1251471.
Genomic context (GRCh38, chr1:173,914,874, plus strand): 5'-CATGGGAATGTCCCGCGGCTTGGCTGTGCAGATGTCCACAGGGCTCCCGTGACAGGTCAC[G>A]CAGTCCCAGAAGCCAATGAGCAGCAAGGACAAAAGATAAACCTTCCTGCAAGGAGACAAA-3'
Protein context (NP_000479.1, residues 19-39): LSLLLIGFWD[Cys29=]VTCHGSPVDI